The following is an entry in ClinVar:

NM_172351.3(CD46):c.589C>A (p.Pro197Thr)

Gene: CD46 (CD46 molecule; plus strand). Cytogenetic location: 1q32.2.
Variant type: single nucleotide variant.
Coding change: c.589C>A on transcript NM_172351.3 (MANE Select); coding-DNA position 589, C replaced by A.
Protein change: p.Pro197Thr; replaces proline 197 with threonine.
Molecular consequence: missense variant.
Genome position (GRCh38, 1-based): chr1:207,761,362, C>A. VCF-style: chr1-207761362-C-A. GRCh37 (hg19) VCF-style: chr1-207934707-C-A.
Other names: c.589C>A, p.Pro197Thr (NM_002389.4, NM_153826.4, NM_172350.3 and 8 more transcripts); short protein forms P197T.
Identifiers: ClinVar variation 2974899 (VCV002974899.4), dbSNP rs761668455, ClinGen allele CA1371683.

ClinVar aggregate classification (germline): Uncertain significance. Review status: criteria provided, multiple submitters, no conflicts (2 of 4 stars). 2 submissions from 2 submitters: Uncertain significance (2). Last evaluated 2025-08-23.

Allele frequency attached by ClinVar (database versions not stated): gnomAD exomes 0.00001; ExAC 0.00001.
gnomAD v4.1: 7 of 1,613,626 alleles (0.00043%); highest among the groups gnomAD compares: Admixed American, 0.0017%; no homozygotes.

Submissions (2):

Ambry Genetics
Classification: Uncertain significance. Last evaluated: 2025-08-23. Review status: criteria provided, single submitter. Criteria: Ambry Variant Classification Scheme 2023. Collection method: clinical testing. Allele origin: germline.

Labcorp Genetics (formerly Invitae), Labcorp
Classification: Uncertain significance. Last evaluated: 2025-08-18. Review status: criteria provided, single submitter. Criteria: Invitae Variant Classification Sherloc (09022015). Collection method: clinical testing. Allele origin: germline.
Comment: This sequence change replaces proline, which is neutral and non-polar, with threonine, which is neutral and polar, at codon 197 of the CD46 protein (p.Pro197Thr). This variant is present in population databases (rs761668455, gnomAD 0.0009%). This variant has not been reported in the literature in individuals affected with CD46-related conditions. ClinVar contains an entry for this variant (Variation ID: 2974899). An algorithm developed to predict the effect of missense changes on protein structure and function outputs the following: PolyPhen-2: "Possibly Damaging". The threonine amino acid residue is found in multiple mammalian species, which suggests that this missense change does not adversely affect protein function. In summary, the available evidence is currently insufficient to determine the role of this variant in disease. Therefore, it has been classified as a Variant of Uncertain Significance.